The following is an entry in ClinVar:

ClinVar aggregate classification (germline): Pathogenic (1 of 4 stars; one submission).

Conditions:
Glycogen storage disease type III (GSD3). Also called: Cori disease; FORBES DISEASE. Identifiers: Orphanet 366, MedGen C0017922, MONDO:0009291, OMIM 232400.

Submission:

Women's Health and Genetics/Laboratory Corporation of America, LabCorp
Classification: Pathogenic for Glycogen storage disease type III. Last evaluated: 2025-10-27. Review status: criteria provided, single submitter. Criteria: LabCorp Variant Classification Summary - May 2015. Collection method: clinical testing. Allele origin: germline.
Comment: Variant summary: AGL c.3912delT (p.Asn1304LysfsX10) results in a premature termination codon, predicted to cause a truncation of the encoded protein or absence of the protein due to nonsense mediated decay, which are commonly known mechanisms for disease. The variant was absent in 251118 control chromosomes. To our knowledge, no occurrence of c.3912delT in individuals affected with AGL-related conditions and no experimental evidence demonstrating its impact on protein function have been reported. No submitters have cited clinical-significance assessments for this variant to ClinVar. Based on the evidence outlined above, the variant was classified as pathogenic.

NM_000642.3(AGL):c.3912del (p.Asn1304fs)

Gene: AGL (amylo-alpha-1,6-glucosidase and 4-alpha-glucanotransferase; plus strand). Cytogenetic location: 1p21.2.
Variant type: Deletion.
Coding change: c.3912del on transcript NM_000642.3 (MANE Select); coding-DNA position 3912, one base deleted (T; older notation c.3912delT).
Protein change: p.Asn1304fs; shifts the reading frame from asparagine 1304.
Molecular consequence: frameshift variant.
Genome position (GRCh38, 1-based): chr1:99,912,480, T deleted. VCF-style (leftmost placement, unchanged base first): chr1-99912479-AT-A. GRCh37 (hg19) VCF-style: chr1-100378035-AT-A.
Other names: c.3912delT (NM_000642.3); c.3912del, p.Asn1304fs (NM_000028.3, NM_000643.3, NM_000644.3 and 1 more transcripts); c.3864del, p.Asn1288fs (NM_000646.3); c.3891del, p.Asn1297fs (NM_001425326.1); c.3711del, p.Asn1237fs (NM_001425327.1); c.3708del, p.Asn1236fs (NM_001425328.1); c.3573del, p.Asn1191fs (NM_001425329.1); c.3534del, p.Asn1178fs (NM_001425332.1); short protein forms N1178fs, N1191fs, N1236fs, N1237fs, N1288fs, N1297fs, N1304fs.
Identifiers: ClinVar variation 4687758 (VCV004687758.1).